The following is an entry in ClinVar:

ClinVar aggregate classification (germline): Likely benign (0 of 4 stars; one submission).

Conditions:
PLXNA1-related disorder. Also called: PLXNA1-related condition.

Submission:

PreventionGenetics, part of Exact Sciences
Classification: Likely benign for PLXNA1-related condition. Last evaluated: 2022-05-06. Review status: no assertion criteria provided. Collection method: clinical testing. Allele origin: germline.
Comment: This variant is classified as likely benign based on ACMG/AMP sequence variant interpretation guidelines (Richards et al. 2015 PMID: 25741868, with internal and published modifications).

NM_032242.4(PLXNA1):c.4731T>A (p.Ile1577=)

Gene: PLXNA1 (plexin A1; plus strand). Cytogenetic location: 3q21.3.
Variant type: single nucleotide variant.
Coding change: c.4731T>A on transcript NM_032242.4 (MANE Select); coding-DNA position 4731, T replaced by A.
Protein change: p.Ile1577=; no amino-acid change (isoleucine 1577 retained).
Molecular consequence: synonymous variant.
Genome position (GRCh38, 1-based): chr3:127,029,054, T>A. VCF-style: chr3-127029054-T-A. GRCh37 (hg19) VCF-style: chr3-126747897-T-A.
Identifiers: ClinVar variation 3354545 (VCV003354545.1).